The following is an entry in ClinVar:

ClinVar aggregate classification (germline): Uncertain significance (1 of 4 stars; one submission).

Conditions:
X-linked lymphoproliferative disease due to SH2D1A deficiency (XLP1). Also called: IMMUNODEFICIENCY 5; IMMUNODEFICIENCY, X-LINKED PROGRESSIVE COMBINED VARIABLE; INFECTIOUS MONONUCLEOSIS, SEVERE, SUSCEPTIBILITY TO; PURTILO SYNDROME; EBV infection severe susceptibility to; Epstein Barr virus infection familial fatal. Identifiers: Orphanet 2442, Orphanet 538931, MedGen C5399825, MONDO:0024551, OMIM 308240.

gnomAD v4.1: 2 of 1,210,117 alleles (0.00017%); highest among the groups gnomAD compares: East Asian, 0.003%; no homozygotes.

Submission:

Labcorp Genetics (formerly Invitae), Labcorp
Classification: Uncertain significance for X-linked lymphoproliferative disease due to SH2D1A deficiency. Last evaluated: 2025-11-04. Review status: criteria provided, single submitter. Criteria: Invitae Variant Classification Sherloc (09022015). Collection method: clinical testing. Allele origin: germline.
Comment: This sequence change replaces valine, which is neutral and non-polar, with methionine, which is neutral and non-polar, at codon 37 of the SH2D1A protein (p.Val37Met). This variant is not present in population databases (gnomAD no frequency). This variant has not been reported in the literature in individuals affected with SH2D1A-related conditions. An algorithm developed to predict the effect of missense changes on protein structure and function (PolyPhen-2) suggests that this variant is likely to be tolerated. In summary, the available evidence is currently insufficient to determine the role of this variant in disease. Therefore, it has been classified as a Variant of Uncertain Significance.

NM_002351.5(SH2D1A):c.109G>A (p.Val37Met)

Gene: SH2D1A (SH2 domain containing 1A; plus strand). Cytogenetic location: Xq25.
Variant type: single nucleotide variant.
Coding change: c.109G>A on transcript NM_002351.5 (MANE Select); coding-DNA position 109, G replaced by A.
Protein change: p.Val37Met; replaces valine 37 with methionine.
Molecular consequence: missense variant.
Genome position (GRCh38, 1-based): chrX:124,346,751, G>A. VCF-style: chrX-124346751-G-A. GRCh37 (hg19) VCF-style: chrX-123480601-G-A.
Other names: c.109G>A, p.Val37Met (NM_001114937.3); short protein forms V37M.
Identifiers: ClinVar variation 4798872 (VCV004798872.1).